The following is an entry in ClinVar:

ClinVar aggregate classification (germline): Conflicting classifications of pathogenicity. Review status: criteria provided, conflicting classifications (1 of 4 stars). 3 submissions from 3 submitters: Likely pathogenic (1); Uncertain significance (1). 1 of the submissions does not count toward it. Last evaluated 2023-07-17.

Conditions:
Neurodevelopmental disorder with hypotonia and variable intellectual and behavioral abnormalities. Identifiers: MedGen C5231423, MONDO:0032829, OMIM 618603.

Allele frequency attached by ClinVar (database versions not stated): TOPMed below 0.00001; gnomAD exomes below 0.00001.

Submissions (3):

Department of Human Genetics, Hannover Medical School
Classification: Likely pathogenic for Neurodevelopmental disorder with hypotonia and variable intellectual and behavioral abnormalities. Last evaluated: 2023-07-17. Review status: criteria provided, single submitter. Criteria: ACMG Guidelines, 2015. Collection method: clinical testing. Allele origin: germline. Inheritance: Autosomal dominant inheritance. Affected: yes.

Institute of Human Genetics, Clinical Exome/Genome Diagnostics Group, University Hospital Bonn
Classification: Uncertain significance for Neurodevelopmental disorder with hypotonia and variable intellectual and behavioral abnormalities. Last evaluated: 2023-05-25. Review status: criteria provided, single submitter. Criteria: ACMG Guidelines, 2015. Collection method: clinical testing. Allele origin: germline.

Human Genome Sequencing Center Clinical Lab, Baylor College of Medicine
Classification: Likely pathogenic for Neurodevelopmental disorder with hypotonia and variable intellectual and behavioral abnormalities. Last evaluated: 2020-05-08. Review status: no assertion criteria provided. Collection method: clinical testing. Allele origin: unknown. Affected: yes. Observed: 1 variant allele. Not counted in ClinVar's aggregate classification.
Comment: Pathogenicity supported by functional studies

NM_000937.5(POLR2A):c.418C>T (p.Arg140Trp)

Gene: POLR2A (RNA polymerase II subunit A; plus strand). Cytogenetic location: 17p13.1.
Variant type: single nucleotide variant.
Coding change: c.418C>T on transcript NM_000937.5 (MANE Select); coding-DNA position 418, C replaced by T.
Protein change: p.Arg140Trp; replaces arginine 140 with tryptophan.
Molecular consequence: missense variant.
Genome position (GRCh38, 1-based): chr17:7,496,494, C>T. VCF-style: chr17-7496494-C-T. GRCh37 (hg19) VCF-style: chr17-7399813-C-T.
Other names: short protein forms R140W.
Identifiers: ClinVar variation 873143 (VCV000873143.3), dbSNP rs1329988533, ClinGen allele CA397858747.